The following is an entry in ClinVar:

NM_000428.3(LTBP2):c.1906G>A (p.Glu636Lys)

Gene: LTBP2 (latent transforming growth factor beta binding protein 2; minus strand). Cytogenetic location: 14q24.3.
Variant type: single nucleotide variant.
Coding change: c.1906G>A on transcript NM_000428.3 (MANE Select); coding-DNA position 1906, G replaced by A.
Protein change: p.Glu636Lys; replaces glutamic acid 636 with lysine.
Molecular consequence: missense variant.
Genome position (GRCh38, 1-based): chr14:74,532,507, C>T on the plus strand (G>A on the coding strand, the complement: LTBP2 is on the minus strand). VCF-style: chr14-74532507-C-T. GRCh37 (hg19) VCF-style: chr14-74999210-C-T.
Other names: short protein forms E636K.
Identifiers: ClinVar variation 1472057 (VCV001472057.8), dbSNP rs1485536761, ClinGen allele CA390397415.

ClinVar aggregate classification (germline): Uncertain significance (1 of 4 stars; one submission).

Allele frequency attached by ClinVar (database versions not stated): gnomAD exomes below 0.00001.
gnomAD v4.1: 1 of 1,614,240 alleles (0.000062%); highest among the groups gnomAD compares: Admixed American, 0.0017%; no homozygotes.

Submission:

Labcorp Genetics (formerly Invitae), Labcorp
Classification: Uncertain significance. Last evaluated: 2022-07-12. Review status: criteria provided, single submitter. Criteria: Invitae Variant Classification Sherloc (09022015). Collection method: clinical testing. Allele origin: germline.
Comment: ClinVar contains an entry for this variant (Variation ID: 1472057). In summary, the available evidence is currently insufficient to determine the role of this variant in disease. Therefore, it has been classified as a Variant of Uncertain Significance. Algorithms developed to predict the effect of missense changes on protein structure and function (SIFT, PolyPhen-2, Align-GVGD) all suggest that this variant is likely to be disruptive. This variant has not been reported in the literature in individuals affected with LTBP2-related conditions. This variant is present in population databases (no rsID available, gnomAD 0.003%). This sequence change replaces glutamic acid, which is acidic and polar, with lysine, which is basic and polar, at codon 636 of the LTBP2 protein (p.Glu636Lys).